The following is an entry in ClinVar:

NM_170784.3(MKKS):c.97del (p.Ile32_Val33insTer)

Gene: MKKS (MKKS centrosomal shuttling protein; minus strand). Cytogenetic location: 20p12.2.
Variant type: Deletion.
Coding change: c.97del on transcript NM_170784.3 (MANE Select); coding-DNA position 97, one base deleted (G; older notation c.97delG).
Protein change: p.Ile32_Val33insTer.
Molecular consequence: nonsense.
Genome position (GRCh38, 1-based): chr20:10,413,418, C deleted on the plus strand (G on the coding strand, the reverse complement: MKKS is on the minus strand). VCF-style (leftmost placement, unchanged base first): chr20-10413417-AC-A. GRCh37 (hg19) VCF-style: chr20-10394065-AC-A.
Other names: c.97del, p.Ile32_Val33insTer (NM_018848.3).
Identifiers: ClinVar variation 1455421 (VCV001455421.6), dbSNP rs2122236468, ClinGen allele CA2573156834.

ClinVar aggregate classification (germline): Pathogenic (1 of 4 stars; one submission).

Conditions:
Bardet-Biedl syndrome (BBS). Identifiers: Orphanet 110, MedGen C0752166, MONDO:0015229.
McKusick-Kaufman syndrome (MKKS). Also called: HYDROMETROCOLPOS SYNDROME; HYDROMETROCOLPOS, POSTAXIAL POLYDACTYLY, AND CONGENITAL HEART MALFORMATION. Identifiers: Orphanet 2473, MedGen C0948368, MONDO:0009367, OMIM 236700.

Submission:

Labcorp Genetics (formerly Invitae), Labcorp
Classification: Pathogenic for McKusick-Kaufman syndrome; Bardet-Biedl syndrome. Last evaluated: 2020-12-24. Review status: criteria provided, single submitter. Criteria: Invitae Variant Classification Sherloc (09022015). Collection method: clinical testing. Allele origin: germline.
Comment: This variant has not been reported in the literature in individuals with MKKS-related conditions. For these reasons, this variant has been classified as Pathogenic. This variant is not present in population databases (ExAC no frequency). This sequence change creates a premature translational stop signal (p.Val33*) in the MKKS gene. It is expected to result in an absent or disrupted protein product. Loss-of-function variants in MKKS are known to be pathogenic (PMID: 11179009, 28761321, 30614526).

Literature cited by the submitters: PubMed 11179009; PubMed 28761321; PubMed 30614526.